The following is an entry in ClinVar:

NM_014915.3(ANKRD26):c.992A>G (p.Gln331Arg)

Gene: ANKRD26 (ankyrin repeat domain containing 26; minus strand). Cytogenetic location: 10p12.1.
Variant type: single nucleotide variant.
Coding change: c.992A>G on transcript NM_014915.3 (MANE Select); coding-DNA position 992, A replaced by G.
Protein change: p.Gln331Arg; replaces glutamine 331 with arginine.
Molecular consequence: missense variant.
Genome position (GRCh38, 1-based): chr10:27,077,423, T>C on the plus strand (A>G on the coding strand, the complement: ANKRD26 is on the minus strand). VCF-style: chr10-27077423-T-C. GRCh37 (hg19) VCF-style: chr10-27366352-T-C.
Other names: c.992A>G, p.Gln331Arg (NM_001256053.2); short protein forms Q331R.
Identifiers: ClinVar variation 3397229 (VCV003397229.1).

ClinVar aggregate classification (germline): Uncertain significance (1 of 4 stars; one submission).

Conditions:
Inborn genetic diseases. Identifiers: MedGen C0950123, MeSH D030342.

gnomAD v4.1: 2 of 1,613,970 alleles (0.00012%); highest among the groups gnomAD compares: African/African-American, 0.0013%; no homozygotes.

Submission:

Ambry Genetics
Classification: Uncertain significance for Inborn genetic diseases. Last evaluated: 2024-12-07. Review status: criteria provided, single submitter. Criteria: Ambry Variant Classification Scheme 2023. Collection method: clinical testing. Allele origin: germline.
Comment: The p.Q331R variant (also known as c.992A>G), located in coding exon 9 of the ANKRD26 gene, results from an A to G substitution at nucleotide position 992. The glutamine at codon 331 is replaced by arginine, an amino acid with highly similar properties. This amino acid position is conserved. In addition, this alteration is predicted to be tolerated by in silico analysis. Based on the available evidence, the clinical significance of this variant remains unclear.